The following is an entry in ClinVar:

ClinVar aggregate classification (germline): Uncertain significance (1 of 4 stars; one submission).

Allele frequency attached by ClinVar (database versions not stated): gnomAD exomes below 0.00001; TOPMed below 0.00001.
gnomAD v4.1: 3 of 1,612,558 alleles (0.00019%); highest among the groups gnomAD compares: Admixed American, 0.0017%; no homozygotes.

Submission:

Labcorp Genetics (formerly Invitae), Labcorp
Classification: Uncertain significance. Last evaluated: 2025-06-30. Review status: criteria provided, single submitter. Criteria: Invitae Variant Classification Sherloc (09022015). Collection method: clinical testing. Allele origin: germline.
Comment: This sequence change replaces arginine, which is basic and polar, with glutamine, which is neutral and polar, at codon 1028 of the SKIV2L protein (p.Arg1028Gln). This variant is not present in population databases (gnomAD no frequency). This variant has not been reported in the literature in individuals affected with SKIV2L-related conditions. ClinVar contains an entry for this variant (Variation ID: 1982711). An algorithm developed to predict the effect of missense changes on protein structure and function outputs the following: PolyPhen-2: "Benign". The glutamine amino acid residue is found in multiple mammalian species, which suggests that this missense change does not adversely affect protein function. In summary, the available evidence is currently insufficient to determine the role of this variant in disease. Therefore, it has been classified as a Variant of Uncertain Significance.

NM_006929.5(SKIC2):c.3083G>A (p.Arg1028Gln)

Gene: SKIC2 (SKI2 subunit of superkiller complex; plus strand). Cytogenetic location: 6p21.33.
Variant type: single nucleotide variant.
Coding change: c.3083G>A on transcript NM_006929.5 (MANE Select); coding-DNA position 3083, G replaced by A.
Protein change: p.Arg1028Gln; replaces arginine 1028 with glutamine.
Molecular consequence: missense variant.
Genome position (GRCh38, 1-based): chr6:31,968,699, G>A. VCF-style: chr6-31968699-G-A. GRCh37 (hg19) VCF-style: chr6-31936476-G-A.
Other names: short protein forms R1028Q.
Identifiers: ClinVar variation 1982711 (VCV001982711.2), dbSNP rs920338145, ClinGen allele CA136913761.
Genomic context (GRCh38, chr6:31,968,699, plus strand): 5'-ACCCCTGCTAAGGGGCAAGGAGAAGGCTGACGGGTGGCTCTCTGCAGTACCTGAAGCTGC[G>A]GGAGCGAATGCAGATACAGAAGGAGATGGAGCGGCTGCGCTTCCTACTGTCGGATCAGTC-3'
Protein context (NP_008860.4, residues 1018-1038): PRFPAQYLKL[Arg1028Gln]ERMQIQKEME